The following is an entry in ClinVar:

NM_199420.4(POLQ):c.5951A>G (p.Gln1984Arg)

Gene: POLQ (DNA polymerase theta; minus strand). Cytogenetic location: 3q13.33.
Variant type: single nucleotide variant.
Coding change: c.5951A>G on transcript NM_199420.4 (MANE Select); coding-DNA position 5951, A replaced by G.
Protein change: p.Gln1984Arg; replaces glutamine 1984 with arginine.
Molecular consequence: missense variant.
Genome position (GRCh38, 1-based): chr3:121,483,405, T>C on the plus strand (A>G on the coding strand, the complement: POLQ is on the minus strand). VCF-style: chr3-121483405-T-C. GRCh37 (hg19) VCF-style: chr3-121202252-T-C.
Other names: short protein forms Q1984R.
Identifiers: ClinVar variation 3422584 (VCV003422584.1).

ClinVar aggregate classification (germline): Uncertain significance (1 of 4 stars; one submission).

Submission:

Ambry Genetics
Classification: Uncertain significance. Last evaluated: 2024-10-06. Review status: criteria provided, single submitter. Criteria: Ambry Variant Classification Scheme 2023. Collection method: clinical testing. Allele origin: germline.
Comment: The p.Q1984R variant (also known as c.5951A>G), located in coding exon 18 of the POLQ gene, results from an A to G substitution at nucleotide position 5951. The glutamine at codon 1984 is replaced by arginine, an amino acid with highly similar properties. This amino acid position is conserved. In addition, this alteration is predicted to be tolerated by in silico analysis. Based on the available evidence, the clinical significance of this variant remains unclear.